The following is an entry in ClinVar:

NM_001447.3(FAT2):c.4698C>A (p.Asp1566Glu)

Genes: FAT2 (FAT atypical cadherin 2; minus strand), SLC36A1 (solute carrier family 36 member 1; plus strand). Cytogenetic location: 5q33.1.
Variant type: single nucleotide variant.
Coding change: c.4698C>A on transcript NM_001447.3 (MANE Select); coding-DNA position 4698, C replaced by A.
Protein change: p.Asp1566Glu; replaces aspartic acid 1566 with glutamic acid.
Molecular consequence: missense variant.
Genome position (GRCh38, 1-based): chr5:151,549,386, G>T on the plus strand (C>A on the coding strand, the complement: FAT2 is on the minus strand). VCF-style: chr5-151549386-G-T. GRCh37 (hg19) VCF-style: chr5-150928947-G-T.
Other names: short protein forms D1566E.
Identifiers: ClinVar variation 4084713 (VCV004084713.8).

ClinVar aggregate classification (germline): Likely benign (1 of 4 stars; one submission).

gnomAD v4.1: 172 of 1,614,158 alleles (0.011%); highest among the groups gnomAD compares: Non-Finnish European, 0.00017%; no homozygotes.

Submission:

CeGaT Center for Human Genetics Tuebingen
Classification: Likely benign. Last evaluated: 2025-08-01. Review status: criteria provided, single submitter. Criteria: CeGaT Center For Human Genetics Tuebingen Variant Classification Criteria Version 2. Collection method: clinical testing. Allele origin: germline. Affected: yes. Observed: 1 variant allele.
Comment: FAT2: PP2, BP4, BS1